The following is an entry in ClinVar:

NM_020937.4(FANCM):c.3904A>G (p.Met1302Val)

Gene: FANCM (FA complementation group M; plus strand). Cytogenetic location: 14q21.2.
Variant type: single nucleotide variant.
Coding change: c.3904A>G on transcript NM_020937.4 (MANE Select); coding-DNA position 3904, A replaced by G.
Protein change: p.Met1302Val; replaces methionine 1302 with valine.
Molecular consequence: missense variant.
Genome position (GRCh38, 1-based): chr14:45,176,658, A>G. VCF-style: chr14-45176658-A-G. GRCh37 (hg19) VCF-style: chr14-45645861-A-G.
Other names: c.3826A>G, p.Met1276Val (NM_001308133.2); short protein forms M1302V, M1276V.
Identifiers: ClinVar variation 5036583 (VCV005036583.1).
Genomic context (GRCh38, chr14:45,176,658, plus strand): 5'-CCAAGAGATCATAGTAAAAATTTTACTAGTGGAACTGTTATTATCCCATCAAATGAAGAT[A>G]TGCAGAATCCAAATTATGTACATTTGCCACTGAGTGCAGCAAAAAATGAAGAATTGTTAT-3'
Protein context (NP_065988.1, residues 1292-1312): GTVIIPSNED[Met1302Val]QNPNYVHLPL

ClinVar aggregate classification (germline): Uncertain significance (1 of 4 stars; one submission).

Conditions:
Inborn genetic diseases. Identifiers: MedGen C0950123, MeSH D030342.

Submission:

Ambry Genetics
Classification: Uncertain significance for Inborn genetic diseases. Last evaluated: 2026-06-27. Review status: criteria provided, single submitter. Criteria: Ambry Variant Classification Scheme 2023. Collection method: clinical testing. Allele origin: germline.
Comment: The p.M1302V variant (also known as c.3904A>G), located in coding exon 14 of the FANCM gene, results from an A to G substitution at nucleotide position 3904. The methionine at codon 1302 is replaced by valine, an amino acid with highly similar properties. This amino acid position is conserved. In addition, this alteration is predicted to be tolerated by in silico analysis. Based on the available evidence, the clinical significance of this variant remains unclear.